The following is an entry in ClinVar:

NM_000094.4(COL7A1):c.1735G>C (p.Val579Leu)

Gene: COL7A1 (collagen type VII alpha 1 chain; minus strand). Cytogenetic location: 3p21.31.
Variant type: single nucleotide variant.
Coding change: c.1735G>C on transcript NM_000094.4 (MANE Select); coding-DNA position 1735, G replaced by C.
Protein change: p.Val579Leu; replaces valine 579 with leucine.
Molecular consequence: missense variant.
Genome position (GRCh38, 1-based): chr3:48,590,718, C>G on the plus strand (G>C on the coding strand, the complement: COL7A1 is on the minus strand). VCF-style: chr3-48590718-C-G. GRCh37 (hg19) VCF-style: chr3-48628151-C-G.
Other names: c.1735G>C (NM_000094.3); short protein forms V579L.
Identifiers: ClinVar variation 1397967 (VCV001397967.7), dbSNP rs1311575300, ClinGen allele CA352729416.
Genomic context (GRCh38, chr3:48,590,718, plus strand): 5'-TCCTGCAGTACTCACCCCGGCGGACAGTGAGGACACTGGCACTGCCCTCACGGGGACCCA[C>G]TCGAGCAGACACCCGCACAGTGTAGCTAAGCCCAGCCTGAACGTCATCCAAGTCGAATGC-3'
Protein context (NP_000085.1, residues 569-589): LSYTVRVSAR[Val579Leu]GPREGSASVL

ClinVar aggregate classification (germline): Uncertain significance. Review status: criteria provided, single submitter (1 of 4 stars). 2 submissions from 2 submitters: Uncertain significance (1). 1 of the submissions does not count toward it. Last evaluated 2025-08-02.

Conditions:
Epidermolysis bullosa dystrophica. Also called: Dystrophic epidermolysis bullosa, Hallopeau-Siemens type (formerly); Dystrophic epidermolysis bullosa. Identifiers: Orphanet 303, MedGen C0079294, MONDO:0006543.

Allele frequency attached by ClinVar (database versions not stated): gnomAD 0.00001.
gnomAD v4.1: 20 of 1,613,936 alleles (0.0012%); highest among the groups gnomAD compares: Non-Finnish European, 0.0015%; no homozygotes.

Submissions (2):

Labcorp Genetics (formerly Invitae), Labcorp
Classification: Uncertain significance. Last evaluated: 2025-08-02. Review status: criteria provided, single submitter. Criteria: Invitae Variant Classification Sherloc (09022015). Collection method: clinical testing. Allele origin: germline.
Comment: This sequence change replaces valine, which is neutral and non-polar, with leucine, which is neutral and non-polar, at codon 579 of the COL7A1 protein (p.Val579Leu). This variant is present in population databases (no rsID available, gnomAD 0.01%). This variant has not been reported in the literature in individuals affected with COL7A1-related conditions. ClinVar contains an entry for this variant (Variation ID: 1397967). Invitae Evidence Modeling of protein sequence and biophysical properties (such as structural, functional, and spatial information, amino acid conservation, physicochemical variation, residue mobility, and thermodynamic stability) indicates that this missense variant is not expected to disrupt COL7A1 protein function with a negative predictive value of 95%. In summary, the available evidence is currently insufficient to determine the role of this variant in disease. Therefore, it has been classified as a Variant of Uncertain Significance.

Natera, Inc.
Classification: Uncertain significance for Dystrophic epidermolysis bullosa. Last evaluated: 2025-02-04. Review status: no assertion criteria provided. Collection method: clinical testing. Allele origin: germline. Not counted in ClinVar's aggregate classification.